The following is an entry in ClinVar:

ClinVar aggregate classification (germline): Uncertain significance (1 of 4 stars; one submission).

Submission:

GeneDx
Classification: Uncertain significance. Last evaluated: 2026-01-27. Review status: criteria provided, single submitter. Criteria: GeneDx Variant Classification Process June 2021. Collection method: clinical testing. Allele origin: germline.
Comment: Not observed at significant frequency in large population cohorts (gnomAD); In silico analysis suggests that this missense variant does not alter protein structure/function; Has not been previously published as pathogenic or benign to our knowledge

NM_170606.3(KMT2C):c.6317A>C (p.Asn2106Thr)

Gene: KMT2C (lysine methyltransferase 2C; minus strand). Cytogenetic location: 7q36.1.
Variant type: single nucleotide variant.
Coding change: c.6317A>C on transcript NM_170606.3 (MANE Select); coding-DNA position 6317, A replaced by C.
Protein change: p.Asn2106Thr; replaces asparagine 2106 with threonine.
Molecular consequence: missense variant.
Genome position (GRCh38, 1-based): chr7:152,181,543, T>G on the plus strand (A>C on the coding strand, the complement: KMT2C is on the minus strand). VCF-style: chr7-152181543-T-G. GRCh37 (hg19) VCF-style: chr7-151878628-T-G.
Other names: short protein forms N2106T.
Identifiers: ClinVar variation 4975735 (VCV004975735.1).
Genomic context (GRCh38, chr7:152,181,543, plus strand): 5'-GTTGGCCTTGATATGGTTCCAGGCTGGGAAAAAGCCCTTGAAGGATGGGCAAAAGATTCA[T>G]TCACTGCTGGATGTGGGGTAAGGGGAGGCTGACTATATGGATCATTTGACTGATTATGAG-3'
Protein context (NP_733751.2, residues 2096-2116): QPPLTPHPAV[Asn2106Thr]ESFAHPSRAF